The following is an entry in ClinVar:

ClinVar aggregate classification (germline): Conflicting classifications of pathogenicity. Review status: criteria provided, conflicting classifications (1 of 4 stars). 17 submissions from 17 submitters: Uncertain significance (1); Benign (2); Likely benign (9). 5 of the submissions do not count toward it. Last evaluated 2026-01-06.

Conditions:
BRCA1-related disorder. Also called: BRCA1-related condition.
Fanconi anemia, complementation group S (FANCS). Identifiers: MedGen C4554406, MONDO:0054748, OMIM 617883.
Hereditary cancer-predisposing syndrome. Also called: Tumor predisposition; Neoplastic Syndromes, Hereditary; Hereditary Cancer Syndrome; Hereditary neoplastic syndrome. Identifiers: Orphanet 140162, MedGen C0027672, MeSH D009386, MONDO:0015356.
Hereditary breast ovarian cancer syndrome. Also called: Hereditary breast and ovarian cancer syndrome (HBOC); Hereditary breast and ovarian cancer syndrome; Hereditary breast and ovarian cancer; Hereditary breast and/or ovarian cancer syndrome; Breast and ovarian cancer; BRCA1- and BRCA2-Associated Hereditary Breast and Ovarian Cancer. Identifiers: Orphanet 145, MedGen C0677776, MeSH D061325, MONDO:0003582. Disease mechanism: loss of function.
Breast-ovarian cancer, familial, susceptibility to, 1 (BROVCA1). Also called: OVARIAN CANCER, SUSCEPTIBILITY TO; BRCA1 Hereditary Breast and Ovarian Cancer. Identifiers: Orphanet 145, MedGen C2676676, MONDO:0011450, OMIM 604370. Disease mechanism: loss of function.

Allele frequency attached by ClinVar (database versions not stated): TOPMed 0.00002; gnomAD 0.00003; ExAC 0.00007; gnomAD exomes 0.00007.
gnomAD v4.1: 61 of 1,613,916 alleles (0.0038%); highest among the groups gnomAD compares: South Asian, 0.04%; no homozygotes.

Submissions (17):

Labcorp Genetics (formerly Invitae), Labcorp
Classification: Likely benign for Hereditary breast ovarian cancer syndrome. Last evaluated: 2026-01-06. Review status: criteria provided, single submitter. Criteria: Invitae Variant Classification Sherloc (09022015). Collection method: clinical testing. Allele origin: germline.

Hereditary Cancer Laboratory, Hospital Universitario 12 de Octubre
Classification: Benign for Hereditary cancer-predisposing syndrome. Last evaluated: 2025-05-06. Review status: criteria provided, single submitter. Criteria: ACMG Guidelines, 2015. Collection method: clinical testing. Allele origin: germline.
Comment: BS1+BS3+BP4

Quest Diagnostics Nichols Institute San Juan Capistrano
Classification: Likely benign. Last evaluated: 2025-04-14. Review status: criteria provided, single submitter. Criteria: Quest Diagnostics criteria. Collection method: clinical testing. Allele origin: unknown.

Center for Genomic Medicine, Rigshospitalet, Copenhagen University Hospital
Classification: Likely benign. Last evaluated: 2025-03-04. Review status: criteria provided, single submitter. Criteria: ACMG Guidelines, 2015. Collection method: clinical testing. Allele origin: germline.

Molecular Diagnostics Laboratory, Catalan Institute of Oncology
Classification: Benign for Hereditary cancer-predisposing syndrome. Last evaluated: 2025-02-25. Review status: criteria provided, single submitter. Criteria: ClinGen BRCA1BRCA2 ACMG Specifications BRCA1 V1.0.0. Collection method: clinical testing. Allele origin: germline.
Comment: PP4, BS1, BS3, BP1_Strong c.2123C>A, located in exon 10 (11 according BIC nomenclature) of the BRCA1 gene, is predicted to result in the substitution of serine by tyrosine at codon 708, p.(Ser708Tyr). This position is outside a (potentially) clinically important functional domain and, moreover, the SpliceAI algorithm predicts no significant impact on splicing (BP1_strong). The variant allele was found in 12/30518 alleles, with a filter allele frequency of 0.0178% at 99% confidence, within the South Asian population in the gnomAD v2.1.1 database (non-cancer data set) (BS1). BRCA1 c.2123C>A was reported by one calibrated study to affect protein function similar to benign control variants (PMID: 32546644) (BS3). Published clinical data for a multifactorial likelihood analysis (PMID: 31131967) showed a combined LR indicative of supporting evidence towards pathogenicity (LR 3.73), based on tumour characteristics (LR 3.73) (PP4). In addition, the variant was also identified in the following databases: BRCA Exchange (Not Yet Reviewed), ClinVar (2x benign, 8x likely benign, 4x uncertain significance) and LOVD (2x likely benign, 6x uncertain significance). Based on the currently available information, c.2123C>A is classified as a benign variant according to ClinGen-BRCA1 Guidelines version v1.0.0.

Department of Pathology and Laboratory Medicine, Sinai Health System
Classification: Likely benign for Fanconi anemia, complementation group S. Last evaluated: 2024-10-21. Review status: criteria provided, single submitter. Criteria: ACMG Guidelines, 2015. Collection method: clinical testing. Allele origin: germline.

University of Washington Department of Laboratory Medicine, University of Washington
Classification: Likely benign for Hereditary cancer-predisposing syndrome. Last evaluated: 2023-03-23. Review status: criteria provided, single submitter. Criteria: Dines et al. (Genet Med. 2020). Collection method: curation. Allele origin: germline.
Comment: Missense variant in a coldspot region where missense variants are very unlikely to be pathogenic (PMID:31911673).

BRCA1 coldspot (exon 11 using historical exon numbering). Reclassification based on statistical prior probability

GeneDx
Classification: Uncertain significance. Last evaluated: 2023-03-03. Review status: criteria provided, single submitter. Criteria: GeneDx Variant Classification Process June 2021. Collection method: clinical testing. Allele origin: germline. Affected: yes.
Comment: Also known as 2242C>A; In silico analysis supports that this missense variant does not alter protein structure/function; This variant is associated with the following publications: (PMID: 12531920, 15385441, 16267036, 26689913, 27062684, 31131967, 20858050, 28529006, 31409081, 32546644, 32377563, 15343273, 29884841, 35402282)

Women's Health and Genetics/Laboratory Corporation of America, LabCorp
Classification: Likely benign. Last evaluated: 2022-04-24. Review status: criteria provided, single submitter. Criteria: LabCorp Variant Classification Summary - May 2015. Collection method: clinical testing. Allele origin: germline.
Comment: Variant summary: BRCA1 c.2123C>A (p.Ser708Tyr) results in a non-conservative amino acid change in the encoded protein sequence. Four of five in-silico tools predict a benign effect of the variant on protein function. The variant allele was found at a frequency of 6.8e-05 in 251170 control chromosomes, predominantly at a frequency of 0.00039 within the South Asian subpopulation in the gnomAD database. This frequency is not significantly higher than expected for a pathogenic variant in BRCA1 causing Hereditary Breast and Ovarian Cancer (6.8e-05 vs 0.001), allowing no conclusion about variant significance. c.2123C>A has been reported in the literature in individuals affected with Hereditary Breast and Ovarian Cancer (example, Judkins_2005, Coulet_2010, Azzollini_2016). At-least one report of this variant co-occurring with a pathogenic variant (c.2062C>T, p.Gln688*) in the PTCH1 gene as an alternate molecular basis of disease in an individual with Gorlin syndrome has been reported (Paulo_2017). These report(s) do not provide unequivocal conclusions about association of the variant with Hereditary Breast and Ovarian Cancer. At least two publications reported experimental evidence evaluating an impact on protein function, and demonstrated that the variant protein had comparable homology-directed repair (HDR) activity to the wild type (Lu_2015) and a neutral impact in homologous recombination repair complementation assays (Bouwman_2020). Seven ClinVar submissons from clinical diagnostic laboratories (evaluation after 2014) cites the variant four times as uncertain significance and thrice as likely benign. Based on the evidence outlined above, the variant was classified as likely benign.

Sema4
Classification: Likely benign for Hereditary cancer-predisposing syndrome. Last evaluated: 2021-04-23. Review status: criteria provided, single submitter. Criteria: Sema4 Curation Guidelines. Collection method: curation. Allele origin: germline.

Ambry Genetics
Classification: Likely benign for Hereditary cancer-predisposing syndrome. Last evaluated: 2019-04-22. Review status: criteria provided, single submitter. Criteria: Ambry Variant Classification Scheme 2023. Collection method: clinical testing. Allele origin: germline.

Color Diagnostics, LLC DBA Color Health
Classification: Likely benign for Hereditary cancer-predisposing syndrome. Last evaluated: 2016-11-15. Review status: criteria provided, single submitter. Criteria: ACMG Guidelines, 2015. Collection method: clinical testing. Allele origin: germline.

BRCAlab, Lund University
Classification: Benign for Breast-ovarian cancer, familial, susceptibility to, 1. Last evaluated: 2024-02-02. Review status: no assertion criteria provided. Collection method: clinical testing. Allele origin: germline. Affected: yes. Not counted in ClinVar's aggregate classification.

PreventionGenetics, part of Exact Sciences
Classification: Likely benign for BRCA1-related condition. Last evaluated: 2023-09-28. Review status: no assertion criteria provided. Collection method: clinical testing. Allele origin: germline. Not counted in ClinVar's aggregate classification.
Comment: This variant is classified as likely benign based on ACMG/AMP sequence variant interpretation guidelines (Richards et al. 2015 PMID: 25741868, with internal and published modifications).

Department of Medical and Surgical Sciences, University of Bologna
Classification: Benign for Breast-ovarian cancer, familial, susceptibility to, 1. Last evaluated: 2023-09-01. Review status: no assertion criteria provided. Collection method: clinical testing. Allele origin: germline. Affected: yes. Not counted in ClinVar's aggregate classification.
Comment: PP4(Supporting)+BS1(Strong)+BS3(Strong)+BP1(Strong) according to ACMG/AMP classification guidelines specified for BRCA1 & BRCA2 (Classification Criteria V1.0.0 2023-09-08) (PMID: 38160042)

Sharing Clinical Reports Project (SCRP)
Classification: Uncertain significance for Breast-ovarian cancer, familial 1. Last evaluated: 2009-04-03. Review status: no assertion criteria provided. Collection method: clinical testing. Allele origin: germline. Not counted in ClinVar's aggregate classification.

Breast Cancer Information Core (BIC) (BRCA1)
Classification: Uncertain significance for Breast-ovarian cancer, familial 1. Last evaluated: 2002-05-29. Review status: no assertion criteria provided. Collection method: clinical testing. Allele origin: germline. Affected: yes. Observed: 3 variant alleles. Not counted in ClinVar's aggregate classification.

Literature cited by the submitters: PubMed 27062684 (cited by 3 submitters); PubMed 12531920 (cited by Quest Diagnostics Nichols Institute San Juan Capistrano); PubMed 16267036 (cited by Quest Diagnostics Nichols Institute San Juan Capistrano and Women's Health and Genetics/Laboratory Corporation of America, LabCorp); PubMed 33087888 (cited by Quest Diagnostics Nichols Institute San Juan Capistrano); PubMed 35196514 (cited by Quest Diagnostics Nichols Institute San Juan Capistrano); PubMed 35979650 (cited by Quest Diagnostics Nichols Institute San Juan Capistrano); PubMed 28529006 (cited by Quest Diagnostics Nichols Institute San Juan Capistrano and Women's Health and Genetics/Laboratory Corporation of America, LabCorp); PubMed 31911673 (cited by Quest Diagnostics Nichols Institute San Juan Capistrano); PubMed 32546644 (cited by 4 submitters); PubMed 33471991 (cited by Quest Diagnostics Nichols Institute San Juan Capistrano); PubMed 26689913 (cited by 4 submitters); PubMed 31131967 (cited by Center for Genomic Medicine, Rigshospitalet, Copenhagen University Hospital); PubMed 20858050 (cited by Department of Pathology and Laboratory Medicine, Sinai Health System and Women's Health and Genetics/Laboratory Corporation of America, LabCorp).

NM_007294.4(BRCA1):c.2123C>A (p.Ser708Tyr)

Gene: BRCA1 (BRCA1 DNA repair associated; minus strand). Cytogenetic location: 17q21.31.
Variant type: single nucleotide variant.
Coding change: c.2123C>A on transcript NM_007294.4 (MANE Select); coding-DNA position 2123, C replaced by A.
Protein change: p.Ser708Tyr; replaces serine 708 with tyrosine.
Molecular consequence: missense variant. On other transcripts: intron variant (137).
Genome position (GRCh38, 1-based): chr17:43,093,408, G>T on the plus strand (C>A on the coding strand, the complement: BRCA1 is on the minus strand). VCF-style: chr17-43093408-G-T. GRCh37 (hg19) VCF-style: chr17-41245425-G-T.
Other names: 2242C>A; c.1910C>A, p.Ser637Tyr (NM_001407571.1, NM_001407853.1, NM_001407894.1 and 9 more transcripts); c.2123C>A, p.Ser708Tyr (NM_001407581.1, NM_001407582.1, NM_001407583.1 and 30 more transcripts); c.2120C>A, p.Ser707Tyr (NM_001407587.1, NM_001407590.1, NM_001407591.1 and 22 more transcripts); c.2114C>A, p.Ser705Tyr (NM_001407646.1, NM_001407647.1); c.2000C>A, p.Ser667Tyr (NM_001407648.1, NM_001407664.1, NM_001407665.1 and 19 more transcripts); c.1997C>A, p.Ser666Tyr (NM_001407649.1, NM_001407670.1, NM_001407671.1 and 11 more transcripts); c.2045C>A, p.Ser682Tyr (NM_001407653.1, NM_001407654.1, NM_001407655.1 and 4 more transcripts); and 42 more; short protein forms S708Y, S661Y, S597Y, S641Y, S707Y, S619Y, S638Y, S640Y.
Identifiers: ClinVar variation 37447 (VCV000037447.42), dbSNP rs80357182, ClinGen allele CA001413.